The following is an entry in ClinVar:

ClinVar aggregate classification (germline): Benign/Likely benign. Review status: criteria provided, multiple submitters, no conflicts (2 of 4 stars). 2 submissions from 2 submitters: Benign (1); Likely benign (1). Last evaluated 2026-01-27.

Conditions:
Emery-Dreifuss muscular dystrophy 4, autosomal dominant (EDMD4). Also called: EMERY-DREIFUSS MUSCULAR DYSTROPHY 4 WITH VARIABLE FEATURES. Identifiers: Orphanet 261, MedGen C2751807, MONDO:0013071, OMIM 612998.
Autosomal recessive ataxia, Beauce type. Also called: SYNE1 Deficiency; Spinocerebellar ataxia, autosomal recessive 8; ATAXIA, RECESSIVE, OF BEAUCE; SYNE1-Related Autosomal Recessive Cerebellar Ataxia. Identifiers: Orphanet 88644, MedGen C1853116, MONDO:0012549, OMIM 610743.

Allele frequency attached by ClinVar (database versions not stated): 1000 Genomes Project 30x 0.00016; gnomAD 0.00018 and 0.00019; gnomAD exomes 0.00018 and 0.00031; 1000 Genomes Project 0.00020; TOPMed 0.00029; ESP Exome Variant Server 0.00031; ExAC 0.00035.
gnomAD v4.1: 315 of 1,610,070 alleles (0.02%); highest among the groups gnomAD compares: Admixed American, 0.02%; 2 homozygotes.

Submissions (2):

Labcorp Genetics (formerly Invitae), Labcorp
Classification: Benign for Emery-Dreifuss muscular dystrophy 4, autosomal dominant; Autosomal recessive ataxia, Beauce type. Last evaluated: 2026-01-27. Review status: criteria provided, single submitter. Criteria: Invitae Variant Classification Sherloc (09022015). Collection method: clinical testing. Allele origin: germline.

GeneDx
Classification: Likely benign. Last evaluated: 2017-11-30. Review status: criteria provided, single submitter. Criteria: GeneDx Variant Classification (06012015). Collection method: clinical testing. Allele origin: germline. Affected: yes.
Comment: This variant is considered likely benign or benign based on one or more of the following criteria: it is a conservative change, it occurs at a poorly conserved position in the protein, it is predicted to be benign by multiple in silico algorithms, and/or has population frequency not consistent with disease.

NM_182961.4(SYNE1):c.7030-16T>C

Gene: SYNE1 (spectrin repeat containing nuclear envelope protein 1; minus strand). Cytogenetic location: 6q25.2.
Variant type: single nucleotide variant.
Coding change: c.7030-16T>C on transcript NM_182961.4 (MANE Select); 16 bases into the intron before coding-DNA position 7030, T replaced by C.
Molecular consequence: intron variant.
Genome position (GRCh38, 1-based): chr6:152,399,839, A>G on the plus strand (T>C on the coding strand, the complement: SYNE1 is on the minus strand). VCF-style: chr6-152399839-A-G. GRCh37 (hg19) VCF-style: chr6-152720974-A-G.
Other names: c.7051-16T>C (NM_033071.5).
Identifiers: ClinVar variation 513708 (VCV000513708.9), dbSNP rs202040448, ClinGen allele CA4057932.